The following is an entry in ClinVar:

NM_000108.5(DLD):c.586G>T (p.Asp196Tyr)

Gene: DLD (dihydrolipoamide dehydrogenase; plus strand). Cytogenetic location: 7q31.1.
Variant type: single nucleotide variant.
Coding change: c.586G>T on transcript NM_000108.5 (MANE Select); coding-DNA position 586, G replaced by T.
Protein change: p.Asp196Tyr; replaces aspartic acid 196 with tyrosine.
Molecular consequence: missense variant.
Genome position (GRCh38, 1-based): chr7:107,906,270, G>T. VCF-style: chr7-107906270-G-T. GRCh37 (hg19) VCF-style: chr7-107546715-G-T.
Other names: c.289G>T, p.Asp97Tyr (NM_001289750.1); c.517G>T, p.Asp173Tyr (NM_001289751.1); c.442G>T, p.Asp148Tyr (NM_001289752.1); short protein forms D148Y, D173Y, D196Y, D97Y.
Identifiers: ClinVar variation 3366625 (VCV003366625.1).

ClinVar aggregate classification (germline): Uncertain significance (1 of 4 stars; one submission).

gnomAD v4.1: 2 of 1,552,762 alleles (0.00013%); highest among the groups gnomAD compares: South Asian, 0.0011%; no homozygotes.

Submission:

Women's Health and Genetics/Laboratory Corporation of America, LabCorp
Classification: Uncertain significance. Last evaluated: 2024-08-23. Review status: criteria provided, single submitter. Criteria: LabCorp Variant Classification Summary - May 2015. Collection method: clinical testing. Allele origin: germline.
Comment: Variant summary: DLD c.586G>T (p.Asp196Tyr) results in a non-conservative amino acid change located in the FAD/NAD(P)-binding domain (IPR023753) of the encoded protein sequence. Five of five in-silico tools predict a damaging effect of the variant on protein function. The variant was absent in 250874 control chromosomes. The available data on variant occurrences in the general population are insufficient to allow any conclusion about variant significance. c.586G>T has been reported in the literature in at least one homozygous individual from a cohort of critically ill newborns who underwent rapid whole-exome sequencing (e.g., Kingsmore_2022). However, this report does not provide unequivocal conclusions about association of the variant with Dihydrolipoamide Dehydrogenase Deficiency (MSUD Type 3). To our knowledge, no experimental evidence demonstrating an impact on protein function has been reported. The following publication has been ascertained in the context of this evaluation (PMID: 36007526). No submitters have cited clinical-significance assessments for this variant to ClinVar. Based on the evidence outlined above, the variant was classified as uncertain significance.

Literature cited by the submitters: PubMed 36007526.